The following is an entry in ClinVar:

NM_007118.4(TRIO):c.3212T>C (p.Leu1071Pro)

Gene: TRIO (trio Rho guanine nucleotide exchange factor; plus strand). Cytogenetic location: 5p15.2.
Variant type: single nucleotide variant.
Coding change: c.3212T>C on transcript NM_007118.4 (MANE Select); coding-DNA position 3212, T replaced by C.
Protein change: p.Leu1071Pro; replaces leucine 1071 with proline.
Molecular consequence: missense variant. On other transcripts: non-coding transcript variant (1).
Genome position (GRCh38, 1-based): chr5:14,369,519, T>C. VCF-style: chr5-14369519-T-C. GRCh37 (hg19) VCF-style: chr5-14369628-T-C.
Other names: short protein forms L1071P.
Identifiers: ClinVar variation 2581765 (VCV002581765.1), dbSNP rs2152344481, ClinGen allele CA359217175.

ClinVar aggregate classification (germline): Likely pathogenic (1 of 4 stars; one submission).

Submission:

GeneDx
Classification: Likely pathogenic. Last evaluated: 2023-09-28. Review status: criteria provided, single submitter. Criteria: GeneDx Variant Classification Process June 2021. Collection method: clinical testing. Allele origin: germline. Affected: yes.
Comment: Not observed at significant frequency in large population cohorts (gnomAD); In silico analysis supports that this missense variant has a deleterious effect on protein structure/function; Has not been previously published as pathogenic or benign to our knowledge